The following is an entry in ClinVar:

NM_001164665.2(KIAA1549):c.5103C>T (p.Ser1701=)

Gene: KIAA1549 (KIAA1549; minus strand). Cytogenetic location: 7q34.
Variant type: single nucleotide variant.
Coding change: c.5103C>T on transcript NM_001164665.2 (MANE Select); coding-DNA position 5103, C replaced by T.
Protein change: p.Ser1701=; no amino-acid change (serine 1701 retained).
Molecular consequence: synonymous variant.
Genome position (GRCh38, 1-based): chr7:138,861,283, G>A on the plus strand (C>T on the coding strand, the complement: KIAA1549 is on the minus strand). VCF-style: chr7-138861283-G-A. GRCh37 (hg19) VCF-style: chr7-138546029-G-A.
Other names: c.5103C>T, p.Ser1701= (NM_020910.3).
Identifiers: ClinVar variation 427874 (VCV000427874.1), dbSNP rs1554411380, ClinGen allele CA457941936.

ClinVar aggregate classification (germline): Likely benign (0 of 4 stars; one submission).

Conditions:
Retinitis pigmentosa (RP). Identifiers: Orphanet 791, MedGen C0035334, MeSH D012174, MONDO:0019200, OMIM 268000. Inheritance: Autosomal dominant, autosomal recessive and X linked inheritance.

Allele frequency attached by ClinVar (database versions not stated): gnomAD exomes below 0.00001.
gnomAD v4.1: 1 of 1,608,148 alleles (0.000062%); highest among the groups gnomAD compares: South Asian, 0.0011%; no homozygotes.

Submission:

Rui Chen Lab, Baylor College of Medicine
Classification: Likely benign for Retinitis pigmentosa. Last evaluated: 2017-05-09. Review status: no assertion criteria provided. Collection method: research. Allele origin: germline. Affected: yes.
Comment: An in vitrominigene system was used to confirm that the variant does not affect splicing